The following is an entry in ClinVar:

ClinVar aggregate classification (germline): Uncertain significance (1 of 4 stars; one submission).

Conditions:
Epileptic encephalopathy. Identifiers: MedGen C0543888, HP:0200134.

Allele frequency attached by ClinVar (database versions not stated): gnomAD 0.00001; TOPMed 0.00001; gnomAD exomes 0.00002; ExAC 0.00005.
gnomAD v4.1: 31 of 1,586,184 alleles (0.002%); highest among the groups gnomAD compares: South Asian, 0.008%; no homozygotes.

Submission:

Labcorp Genetics (formerly Invitae), Labcorp
Classification: Uncertain significance for Epileptic encephalopathy. Last evaluated: 2025-06-13. Review status: criteria provided, single submitter. Criteria: Invitae Variant Classification Sherloc (09022015). Collection method: clinical testing. Allele origin: germline.
Comment: This sequence change replaces arginine, which is basic and polar, with glutamine, which is neutral and polar, at codon 1538 of the FASN protein (p.Arg1538Gln). The frequency data for this variant in the population databases is considered unreliable, as metrics indicate poor data quality at this position in the gnomAD database. This variant has not been reported in the literature in individuals affected with FASN-related conditions. ClinVar contains an entry for this variant (Variation ID: 972586). An algorithm developed to predict the effect of missense changes on protein structure and function (PolyPhen-2) suggests that this variant is likely to be disruptive. In summary, the available evidence is currently insufficient to determine the role of this variant in disease. Therefore, it has been classified as a Variant of Uncertain Significance.

NM_004104.5(FASN):c.4613G>A (p.Arg1538Gln)

Gene: FASN (fatty acid synthase; minus strand). Cytogenetic location: 17q25.3.
Variant type: single nucleotide variant.
Coding change: c.4613G>A on transcript NM_004104.5 (MANE Select); coding-DNA position 4613, G replaced by A.
Protein change: p.Arg1538Gln; replaces arginine 1538 with glutamine.
Molecular consequence: missense variant.
Genome position (GRCh38, 1-based): chr17:82,084,668, C>T on the plus strand (G>A on the coding strand, the complement: FASN is on the minus strand). VCF-style: chr17-82084668-C-T. GRCh37 (hg19) VCF-style: chr17-80042544-C-T.
Other names: short protein forms R1538Q.
Identifiers: ClinVar variation 972586 (VCV000972586.10), dbSNP rs749521173, ClinGen allele CA8851996.